The following is an entry in ClinVar:

NM_001145014.2(RFPL4A):c.84T>C (p.Tyr28=)

Gene: RFPL4A (ret finger protein like 4A; plus strand). Cytogenetic location: 19q13.42.
Variant type: single nucleotide variant.
Coding change: c.84T>C on transcript NM_001145014.2 (MANE Select); coding-DNA position 84, T replaced by C.
Protein change: p.Tyr28=; no amino-acid change (tyrosine 28 retained).
Molecular consequence: synonymous variant.
Genome position (GRCh38, 1-based): chr19:55,761,884, T>C. VCF-style: chr19-55761884-T-C. GRCh37 (hg19) VCF-style: chr19-56273250-T-C.
Identifiers: ClinVar variation 4281047 (VCV004281047.7).
Genomic context (GRCh38, chr19:55,761,884, plus strand): 5'-CATTAGATGTCCTGTCTGTCTAAAAGATCTTGAAGAAGCCGTGCAACTGAAATGTGGATA[T>C]GCCTGCTGCCTCCAGTGCCTCAATTCACTCCAGAAGGAGCCCGATGGGGAAGGTTTACTG-3'
Protein context (NP_001138486.1, residues 18-38): LEEAVQLKCG[Tyr28=]ACCLQCLNSL

ClinVar aggregate classification (germline): Likely benign (1 of 4 stars; one submission).

gnomAD v4.1: 55 of 1,500,570 alleles (0.0037%); highest among the groups gnomAD compares: Admixed American, 0.008%; 2 homozygotes.

Submission:

CeGaT Center for Human Genetics Tuebingen
Classification: Likely benign. Last evaluated: 2025-09-01. Review status: criteria provided, single submitter. Criteria: CeGaT Center For Human Genetics Tuebingen Variant Classification Criteria Version 2. Collection method: clinical testing. Allele origin: germline. Affected: yes. Observed: 1 variant allele.
Comment: RFPL4A: BP4, BP7